The following is an entry in ClinVar:

ClinVar aggregate classification (germline): Conflicting classifications of pathogenicity. Review status: criteria provided, conflicting classifications (1 of 4 stars). 2 submissions from 2 submitters: Likely pathogenic (1); Uncertain significance (1). Last evaluated 2025-01-06.

Conditions:
Familial X-linked hypophosphatemic vitamin D refractory rickets (XLHRD). Also called: X-Linked Hypophosphatemia; Hypophosphatemic Rickets, X-Linked Dominant; HYPOPHOSPHATEMIC VITAMIN D-RESISTANT RICKETS; Hypophosphatemia, vitamin D-resistant rickets; Vitamin D-resistant rickets, X-linked. Identifiers: Orphanet 89936, MedGen C0733682, MONDO:0010619, OMIM 307800.

Submissions (2):

3billion
Classification: Likely pathogenic for Familial X-linked hypophosphatemic vitamin D refractory rickets. Last evaluated: 2025-01-06. Review status: criteria provided, single submitter. Criteria: ACMG Guidelines, 2015. Collection method: clinical testing. Allele origin: germline. Affected: yes.
Comment: The variant is not observed in the gnomAD v4.1.0 dataset. Predicted Consequence/Location: Missense variant In silico tool predictions suggest damaging effect of the variant on gene or gene product [REVEL: 0.87 (>=0.6, sensitivity 0.68 and specificity 0.92); 3Cnet: 0.91 (>=0.6, sensitivity 0.72 and precision 0.9)]. The same nucleotide change resulting in the same amino acid change has been previously reported to be associated with PHEX-related disorder (PMID: 25042154). A different missense change at the same codon (p.Ala84Pro) has been reported as pathogenic/likely pathogenic with strong evidence (ClinVar ID: VCV002412819). Therefore, this variant is classified as Likely pathogenic according to the recommendation of ACMG/AMP guideline.

GeneDx
Classification: Uncertain significance. Last evaluated: 2017-06-14. Review status: criteria provided, single submitter. Criteria: GeneDx Variant Classification (06012015). Collection method: clinical testing. Allele origin: germline. Affected: yes.
Comment: The A84D variant has been published as a pathogenic variant, with limited data supporting its pathogenicity (Mumm et al., 2015). The A84D variant is not observed in large population cohorts (Lek et al., 2016; 1000 Genomes Consortium et al., 2015; Exome Variant Server). The A84D variant is a non-conservative amino acid substitution, which is likely to impact secondary protein structure as these residues differ in polarity, charge, size and/or other properties. However, this substitution occurs at a position that is not conserved. In silico analysis predicts this variant is probably damaging to the protein structure/function. Based on the currently available information, it is unclear whether this variant is a pathogenic variant or a rare benign variant.

Literature cited by the submitters: PubMed 25042154 (cited by 3billion).

NM_000444.6(PHEX):c.251C>A (p.Ala84Asp)

Gene: PHEX (phosphate regulating endopeptidase X-linked; plus strand). Cytogenetic location: Xp22.11.
Variant type: single nucleotide variant.
Coding change: c.251C>A on transcript NM_000444.6 (MANE Select); coding-DNA position 251, C replaced by A.
Protein change: p.Ala84Asp; replaces alanine 84 with aspartic acid.
Molecular consequence: missense variant.
Genome position (GRCh38, 1-based): chrX:22,047,113, C>A. VCF-style: chrX-22047113-C-A. GRCh37 (hg19) VCF-style: chrX-22065231-C-A.
Other names: c.251C>A, p.Ala84Asp (NM_001282754.2); short protein forms A84D.
Identifiers: ClinVar variation 432000 (VCV000432000.3), dbSNP rs1556014284, ClinGen allele CA412567626.